The following is an entry in ClinVar:

ClinVar aggregate classification (germline): Uncertain significance. Review status: criteria provided, multiple submitters, no conflicts (2 of 4 stars). 2 submissions from 2 submitters: Uncertain significance (2). Last evaluated 2024-07-29.

Conditions:
Optic atrophy 3 (OPA3). Also called: OPTIC ATROPHY 3, AUTOSOMAL DOMINANT; Optic atrophy, cataract, and neurologic disorder; Optic atrophy 3 with cataract. Identifiers: Orphanet 67036, MedGen C1833809, MONDO:0008133, OMIM 165300.
3-Methylglutaconic aciduria type 3 (MGCA3). Also called: OPA3, AUTOSOMAL RECESSIVE; OPTIC ATROPHY 3, AUTOSOMAL RECESSIVE; Costeff Syndrome; OPA3-Related 3-Methylglutaconic Aciduria. Identifiers: Orphanet 67047, MedGen C0574084, MONDO:0009787, OMIM 258501.

Allele frequency attached by ClinVar (database versions not stated): gnomAD exomes below 0.00001; gnomAD 0.00001.
gnomAD v4.1: 4 of 1,613,208 alleles (0.00025%); highest among the groups gnomAD compares: African/African-American, 0.0053%; no homozygotes.

Submissions (2):

Labcorp Genetics (formerly Invitae), Labcorp
Classification: Uncertain significance for 3-Methylglutaconic aciduria type 3; Optic atrophy 3. Last evaluated: 2024-07-29. Review status: criteria provided, single submitter. Criteria: Invitae Variant Classification Sherloc (09022015). Collection method: clinical testing. Allele origin: germline.
Comment: This sequence change replaces glycine, which is neutral and non-polar, with arginine, which is basic and polar, at codon 167 of the OPA3 protein (p.Gly167Arg). This variant is present in population databases (no rsID available, gnomAD 0.009%). This variant has not been reported in the literature in individuals affected with OPA3-related conditions. ClinVar contains an entry for this variant (Variation ID: 1497319). An algorithm developed to predict the effect of missense changes on protein structure and function (PolyPhen-2) suggests that this variant is likely to be tolerated. In summary, the available evidence is currently insufficient to determine the role of this variant in disease. Therefore, it has been classified as a Variant of Uncertain Significance.

Blueprint Genetics
Classification: Uncertain significance. Last evaluated: 2022-10-10. Review status: criteria provided, single submitter. Criteria: ACMG Guidelines, 2015. Collection method: clinical testing. Allele origin: germline.

NM_025136.4(OPA3):c.499G>C (p.Gly167Arg)

Genes: OPA3 (outer mitochondrial membrane lipid metabolism regulator OPA3; minus strand), OPA3-RTN2 (OPA3-RTN2 readthrough; minus strand). Cytogenetic location: 19q13.32.
Variant type: single nucleotide variant.
Coding change: c.499G>C on transcript NM_025136.4 (MANE Select); coding-DNA position 499, G replaced by C.
Protein change: p.Gly167Arg; replaces glycine 167 with arginine.
Molecular consequence: missense variant. On other transcripts: intron variant (1).
Genome position (GRCh38, 1-based): chr19:45,553,555, C>G on the plus strand (G>C on the coding strand, the complement: OPA3 is on the minus strand). VCF-style: chr19-45553555-C-G. GRCh37 (hg19) VCF-style: chr19-46056813-C-G.
Other names: c.143-24099G>C (NM_001017989.3); short protein forms G167R.
Identifiers: ClinVar variation 1497319 (VCV001497319.9), dbSNP rs1364874488, ClinGen allele CA406369687.